The following is an entry in ClinVar:

ClinVar aggregate classification (germline): Uncertain significance (1 of 4 stars; one submission).

Conditions:
Hereditary cancer-predisposing syndrome. Also called: Neoplastic Syndromes, Hereditary; Tumor predisposition; Hereditary neoplastic syndrome; Hereditary Cancer Syndrome. Identifiers: Orphanet 140162, MedGen C0027672, MeSH D009386, MONDO:0015356.

Submission:

Ambry Genetics
Classification: Uncertain significance for Hereditary cancer-predisposing syndrome. Last evaluated: 2026-08-20. Review status: criteria provided, single submitter. Criteria: Ambry Variant Classification Scheme 2023. Collection method: clinical testing. Allele origin: germline.
Comment: The p.Y1615F variant (also known as c.4844A>T), located in coding exon 15 of the APC gene, results from an A to T substitution at nucleotide position 4844. The tyrosine at codon 1615 is replaced by phenylalanine, an amino acid with highly similar properties. This amino acid position is conserved. In addition, in silico predictors for this gene do not accurately predict pathogenicity. Based on the available evidence, the clinical significance of this variant remains unclear.

NM_000038.6(APC):c.4844A>T (p.Tyr1615Phe)

Gene: APC (APC regulator of Wnt signaling pathway; plus strand). Cytogenetic location: 5q22.2.
Variant type: single nucleotide variant.
Coding change: c.4844A>T on transcript NM_000038.6 (MANE Select); coding-DNA position 4844, A replaced by T.
Protein change: p.Tyr1615Phe; replaces tyrosine 1615 with phenylalanine.
Molecular consequence: missense variant. On other transcripts: non-coding transcript variant (2).
Genome position (GRCh38, 1-based): chr5:112,840,438, A>T. VCF-style: chr5-112840438-A-T. GRCh37 (hg19) VCF-style: chr5-112176135-A-T.
Other names: c.4844A>T, p.Tyr1615Phe (NM_001407450.1, NM_001127510.3, NM_001354895.2); c.4823A>T, p.Tyr1608Phe (NM_001407451.1); c.4814A>T, p.Tyr1605Phe (NM_001407452.1); c.4667A>T, p.Tyr1556Phe (NM_001407453.1, NM_001354901.2); c.4595A>T, p.Tyr1532Phe (NM_001407454.1, NM_001407455.1, NM_001407456.1 and 1 more transcripts); c.4541A>T, p.Tyr1514Phe (NM_001407458.1, NM_001407459.1, NM_001407460.1 and 1 more transcripts); c.4457A>T, p.Tyr1486Phe (NM_001407467.1, NM_001407469.1); c.3995A>T, p.Tyr1332Phe (NM_001407470.1, NM_001354906.2); and 11 more; short protein forms Y1231F, Y1587F, Y1605F, Y1633F, Y1524F, Y1556F, Y1574F, Y1489F.
Identifiers: ClinVar variation 5025859 (VCV005025859.1).